The following is an entry in ClinVar:

NM_000631.5(NCF4):c.397T>C (p.Phe133Leu)

Gene: NCF4 (neutrophil cytosolic factor 4; plus strand). Cytogenetic location: 22q12.3.
Variant type: single nucleotide variant.
Coding change: c.397T>C on transcript NM_000631.5 (MANE Select); coding-DNA position 397, T replaced by C.
Protein change: p.Phe133Leu; replaces phenylalanine 133 with leucine.
Molecular consequence: missense variant.
Genome position (GRCh38, 1-based): chr22:36,870,469, T>C. VCF-style: chr22-36870469-T-C. GRCh37 (hg19) VCF-style: chr22-37266511-T-C.
Other names: c.397T>C, p.Phe133Leu (NM_013416.4); short protein forms F133L.
Identifiers: ClinVar variation 581849 (VCV000581849.9), dbSNP rs1243354458, ClinGen allele CA411383798.
Genomic context (GRCh38, chr22:36,870,469, plus strand): 5'-ACACAGAGCCTGCTCAGCCTGCCGGTCTGGGTGCTGATGGATGAGGACGTCCGGATCTTC[T>C]TTTACCAGTCGCCCTATGACTCAGAGCAGGTGCCCCAGGCACTCCGCCGGCTCCGCCCGC-3'
Protein context (NP_000622.2, residues 123-143): VLMDEDVRIF[Phe133Leu]YQSPYDSEQV

ClinVar aggregate classification (germline): Uncertain significance (1 of 4 stars; one submission).

Conditions:
Granulomatous disease, chronic, autosomal recessive, cytochrome b-positive, type 3. Also called: GRANULOMATOUS DISEASE, CHRONIC, DUE TO NCF4 DEFICIENCY; Granulomatous disease, chronic, autosomal recessive, cytochrome b-positive, type III; GRANULOMATOUS DISEASE, CHRONIC, AUTOSOMAL RECESSIVE, 3; CGD, AUTOSOMAL RECESSIVE CYTOCHROME b-POSITIVE, TYPE III. Identifiers: Orphanet 379, MedGen C3151409, MONDO:0013507, OMIM 613960.

Allele frequency attached by ClinVar (database versions not stated): TOPMed below 0.00001; gnomAD exomes 0.00001.
gnomAD v4.1: 3 of 1,613,970 alleles (0.00019%); highest among the groups gnomAD compares: South Asian, 0.0033%; no homozygotes.

Submission:

Labcorp Genetics (formerly Invitae), Labcorp
Classification: Uncertain significance for Granulomatous disease, chronic, autosomal recessive, cytochrome b-positive, type 3. Last evaluated: 2018-03-25. Review status: criteria provided, single submitter. Criteria: Invitae Variant Classification Sherloc (09022015). Collection method: clinical testing. Allele origin: germline.
Comment: In summary, the available evidence is currently insufficient to determine the role of this variant in disease. Therefore, it has been classified as a Variant of Uncertain Significance. Algorithms developed to predict the effect of missense changes on protein structure and function do not agree on the potential impact of this missense change (SIFT: "Deleterious"; PolyPhen-2: "Possibly Damaging"; Align-GVGD: "Class C0"). This variant has not been reported in the literature in individuals with NCF4-related disease. This variant is not present in population databases (ExAC no frequency). This sequence change replaces phenylalanine with leucine at codon 133 of the NCF4 protein (p.Phe133Leu). The phenylalanine residue is highly conserved and there is a small physicochemical difference between phenylalanine and leucine.